The following is an entry in ClinVar:

ClinVar aggregate classification (germline): Uncertain significance. Review status: criteria provided, multiple submitters, no conflicts (2 of 4 stars). 2 submissions from 2 submitters: Uncertain significance (2). Last evaluated 2025-03-31.

Allele frequency attached by ClinVar (database versions not stated): gnomAD exomes 0.00001 and 0.00004; gnomAD 0.00004; TOPMed 0.00005.
gnomAD v4.1: 67 of 1,551,888 alleles (0.0043%); highest among the groups gnomAD compares: Non-Finnish European, 0.0052%; no homozygotes.

Submissions (2):

Labcorp Genetics (formerly Invitae), Labcorp
Classification: Uncertain significance. Last evaluated: 2025-03-31. Review status: criteria provided, single submitter. Criteria: Invitae Variant Classification Sherloc (09022015). Collection method: clinical testing. Allele origin: germline.
Comment: This sequence change replaces histidine, which is basic and polar, with arginine, which is basic and polar, at codon 709 of the MCM5 protein (p.His709Arg). The frequency data for this variant in the population databases is considered unreliable, as metrics indicate poor data quality at this position in the gnomAD database. This variant has not been reported in the literature in individuals affected with MCM5-related conditions. ClinVar contains an entry for this variant (Variation ID: 1445771). An algorithm developed to predict the effect of missense changes on protein structure and function outputs the following: PolyPhen-2: "Benign". The arginine amino acid residue is found in multiple mammalian species, which suggests that this missense change does not adversely affect protein function. In summary, the available evidence is currently insufficient to determine the role of this variant in disease. Therefore, it has been classified as a Variant of Uncertain Significance.

Ambry Genetics
Classification: Uncertain significance. Last evaluated: 2024-09-09. Review status: criteria provided, single submitter. Criteria: Ambry Variant Classification Scheme 2023. Collection method: clinical testing. Allele origin: germline.

NM_006739.4(MCM5):c.2126A>G (p.His709Arg)

Gene: MCM5 (minichromosome maintenance complex component 5; plus strand). Cytogenetic location: 22q12.3.
Variant type: single nucleotide variant.
Coding change: c.2126A>G on transcript NM_006739.4 (MANE Select); coding-DNA position 2126, A replaced by G.
Protein change: p.His709Arg; replaces histidine 709 with arginine.
Molecular consequence: missense variant.
Genome position (GRCh38, 1-based): chr22:35,424,176, A>G. VCF-style: chr22-35424176-A-G. GRCh37 (hg19) VCF-style: chr22-35820169-A-G.
Other names: c.2126A>G (NM_006739.3); short protein forms H709R.
Identifiers: ClinVar variation 1445771 (VCV001445771.9), dbSNP rs1032897055, ClinGen allele CA323499583.